The following is an entry in ClinVar:

NM_001270974.2(HYDIN):c.3683T>G (p.Val1228Gly)

Gene: HYDIN (HYDIN axonemal central pair apparatus protein; minus strand). Cytogenetic location: 16q22.2.
Variant type: single nucleotide variant.
Coding change: c.3683T>G on transcript NM_001270974.2 (MANE Select); coding-DNA position 3683, T replaced by G.
Protein change: p.Val1228Gly; replaces valine 1228 with glycine.
Molecular consequence: missense variant.
Genome position (GRCh38, 1-based): chr16:70,992,172, A>C on the plus strand (T>G on the coding strand, the complement: HYDIN is on the minus strand). VCF-style: chr16-70992172-A-C. GRCh37 (hg19) VCF-style: chr16-71026075-A-C.
Other names: short protein forms V1228G.
Identifiers: ClinVar variation 3361291 (VCV003361291.1).

ClinVar aggregate classification (germline): Uncertain significance (1 of 4 stars; one submission).

gnomAD v4.1: 1 of 1,609,542 alleles (0.000062%); highest among the groups gnomAD compares: East Asian, 0.0022%; no homozygotes.

Submission:

GeneDx
Classification: Uncertain significance. Last evaluated: 2023-07-21. Review status: criteria provided, single submitter. Criteria: GeneDx Variant Classification Process June 2021. Collection method: clinical testing. Allele origin: germline. Affected: yes.
Comment: Not observed at significant frequency in large population cohorts (gnomAD); In silico analysis supports that this missense variant does not alter protein structure/function; Has not been previously published as pathogenic or benign to our knowledge